The following is an entry in ClinVar:

NM_000081.4(LYST):c.6703T>G (p.Ser2235Ala)

Gene: LYST (lysosomal trafficking regulator; minus strand). Cytogenetic location: 1q42.3.
Variant type: single nucleotide variant.
Coding change: c.6703T>G on transcript NM_000081.4 (MANE Select); coding-DNA position 6703, T replaced by G.
Protein change: p.Ser2235Ala; replaces serine 2235 with alanine.
Molecular consequence: missense variant.
Genome position (GRCh38, 1-based): chr1:235,759,150, A>C on the plus strand (T>G on the coding strand, the complement: LYST is on the minus strand). VCF-style: chr1-235759150-A-C. GRCh37 (hg19) VCF-style: chr1-235922450-A-C.
Other names: c.6703T>G, p.Ser2235Ala (NM_001301365.1); short protein forms S2235A.
Identifiers: ClinVar variation 1037282 (VCV001037282.2), dbSNP rs1456770713, ClinGen allele CA344939816.
Genomic context (GRCh38, chr1:235,759,150, plus strand): 5'-CGTTCTGTGAAGGAAAAGCTAGCCCAAGGCTTGCAATAGTGCTGTGGCTTCGCTGGAAGG[A>C]GGCCAATCCCTTTAGGTAATCAGGTCGGCGTGGGCAGGACTCATCCCCAGGACTGTCATC-3'
Protein context (NP_000072.2, residues 2225-2245): RRPDYLKGLA[Ser2235Ala]FQRSHSTIAS

ClinVar aggregate classification (germline): Uncertain significance (1 of 4 stars; one submission).

Conditions:
Chédiak-Higashi syndrome (CHS). Also called: Chediak-Higashi Syndrome. Identifiers: Orphanet 167, MedGen C0007965, MONDO:0008963, OMIM 214500.

Allele frequency attached by ClinVar (database versions not stated): TOPMed below 0.00001.
gnomAD v4.1: 4 of 1,614,186 alleles (0.00025%); highest among the groups gnomAD compares: East Asian, 0.0067%; no homozygotes.

Submission:

Labcorp Genetics (formerly Invitae), Labcorp
Classification: Uncertain significance for Chédiak-Higashi syndrome. Last evaluated: 2021-09-01. Review status: criteria provided, single submitter. Criteria: Invitae Variant Classification Sherloc (09022015). Collection method: clinical testing. Allele origin: germline.
Comment: This sequence change replaces serine with alanine at codon 2235 of the LYST protein (p.Ser2235Ala). The serine residue is moderately conserved and there is a moderate physicochemical difference between serine and alanine. This variant is not present in population databases (ExAC no frequency). This variant has not been reported in the literature in individuals affected with LYST-related conditions. Algorithms developed to predict the effect of missense changes on protein structure and function (SIFT, PolyPhen-2, Align-GVGD) all suggest that this variant is likely to be tolerated. In summary, the available evidence is currently insufficient to determine the role of this variant in disease. Therefore, it has been classified as a Variant of Uncertain Significance.